The following is an entry in ClinVar:

ClinVar aggregate classification (germline): Uncertain significance (1 of 4 stars; one submission).

Conditions:
Werner syndrome (WRN). Identifiers: Orphanet 902, MedGen C0043119, MONDO:0010196, OMIM 277700.

Submission:

Labcorp Genetics (formerly Invitae), Labcorp
Classification: Uncertain significance for Werner syndrome. Last evaluated: 2022-06-12. Review status: criteria provided, single submitter. Criteria: Invitae Variant Classification Sherloc (09022015). Collection method: clinical testing. Allele origin: germline.
Comment: In summary, the available evidence is currently insufficient to determine the role of this variant in disease. Therefore, it has been classified as a Variant of Uncertain Significance. Variants that disrupt the consensus splice site are a relatively common cause of aberrant splicing (PMID: 17576681, 9536098). Studies have shown that this variant results in skipping of exon 34 and introduces a new termination codon (Invitae). However the mRNA is not expected to undergo nonsense-mediated decay. This variant has not been reported in the literature in individuals affected with WRN-related conditions. This variant is not present in population databases (gnomAD no frequency). This sequence change falls in intron 33 of the WRN gene. It does not directly change the encoded amino acid sequence of the WRN protein. RNA analysis indicates that this variant induces altered splicing and likely disrupts the C-terminus of the protein.

Literature cited by the submitters: PubMed 17576681; PubMed 9536098.

NM_000553.6(WRN):c.3983-3C>A

Gene: WRN (WRN RecQ like helicase; plus strand). Cytogenetic location: 8p12.
Variant type: single nucleotide variant.
Coding change: c.3983-3C>A on transcript NM_000553.6 (MANE Select); 3 bases into the intron before coding-DNA position 3983, C replaced by A.
Molecular consequence: intron variant.
Genome position (GRCh38, 1-based): chr8:31,167,019, C>A. VCF-style: chr8-31167019-C-A. GRCh37 (hg19) VCF-style: chr8-31024535-C-A.
Identifiers: ClinVar variation 2005046 (VCV002005046.4), dbSNP rs1409057375, ClinGen allele CA2580078147.